The following is an entry in ClinVar:

NM_003482.4(KMT2D):c.1812A>G (p.Glu604=)

Gene: KMT2D (lysine methyltransferase 2D; minus strand). Cytogenetic location: 12q13.12.
Variant type: single nucleotide variant.
Coding change: c.1812A>G on transcript NM_003482.4 (MANE Select); coding-DNA position 1812, A replaced by G.
Protein change: p.Glu604=; no amino-acid change (glutamic acid 604 retained).
Molecular consequence: synonymous variant.
Genome position (GRCh38, 1-based): chr12:49,051,871, T>C on the plus strand (A>G on the coding strand, the complement: KMT2D is on the minus strand). VCF-style: chr12-49051871-T-C. GRCh37 (hg19) VCF-style: chr12-49445654-T-C.
Identifiers: ClinVar variation 2083431 (VCV002083431.5), dbSNP rs1318230995, ClinGen allele CA479714784.

ClinVar aggregate classification (germline): Likely benign. Review status: criteria provided, single submitter (1 of 4 stars). 2 submissions from 2 submitters: Likely benign (1). 1 of the submissions does not count toward it. Last evaluated 2026-02-01.

Conditions:
Kabuki syndrome. Also called: NIIKAWA-KUROKI SYNDROME; Kabuki make-up syndrome. Identifiers: Orphanet 2322, MedGen C0796004, MONDO:0016512.
KMT2D-related disorder. Also called: KMT2D-Related Disorders.

Allele frequency attached by ClinVar (database versions not stated): gnomAD exomes below 0.00001; gnomAD 0.00001.
gnomAD v4.1: 5 of 1,599,712 alleles (0.00031%); highest among the groups gnomAD compares: Admixed American, 0.0085%; no homozygotes.

Submissions (2):

Labcorp Genetics (formerly Invitae), Labcorp
Classification: Likely benign for Kabuki syndrome. Last evaluated: 2026-02-01. Review status: criteria provided, single submitter. Criteria: Invitae Variant Classification Sherloc (09022015). Collection method: clinical testing. Allele origin: germline.

PreventionGenetics, part of Exact Sciences
Classification: Likely benign for KMT2D-related condition. Last evaluated: 2024-08-26. Review status: no assertion criteria provided. Collection method: clinical testing. Allele origin: germline. Not counted in ClinVar's aggregate classification.
Comment: This variant is classified as likely benign based on ACMG/AMP sequence variant interpretation guidelines (Richards et al. 2015 PMID: 25741868, with internal and published modifications).